The following is an entry in ClinVar:

NM_001267550.2(TTN):c.47629C>T (p.Gln15877Ter)

Genes: TTN (titin; minus strand), TTN-AS1 (TTN antisense RNA 1; plus strand). Cytogenetic location: 2q31.2.
Variant type: single nucleotide variant.
Coding change: c.47629C>T on transcript NM_001267550.2 (MANE Select); coding-DNA position 47629, C replaced by T.
Protein change: p.Gln15877Ter; replaces glutamine 15877 with a stop codon.
Molecular consequence: nonsense.
Genome position (GRCh38, 1-based): chr2:178,617,456, G>A on the plus strand (C>T on the coding strand, the complement: TTN is on the minus strand). VCF-style: chr2-178617456-G-A. GRCh37 (hg19) VCF-style: chr2-179482183-G-A.
Other names: c.42706C>T, p.Gln14236Ter (NM_001256850.1); c.20434C>T, p.Gln6812Ter (NM_003319.4); c.39925C>T, p.Gln13309Ter (NM_133378.4); c.20809C>T, p.Gln6937Ter (NM_133432.3); c.21010C>T, p.Gln7004Ter (NM_133437.4); short protein forms Q15877*, Q13309*, Q7004*, Q14236*, Q6812*, Q6937*.
Identifiers: ClinVar variation 288797 (VCV000288797.12), dbSNP rs886044009, ClinGen allele CA10606226.

ClinVar aggregate classification (germline): Likely pathogenic. Review status: criteria provided, multiple submitters, no conflicts (2 of 4 stars). 2 submissions from 2 submitters: Likely pathogenic (2). Last evaluated 2018-02-28.

Conditions:
Dilated cardiomyopathy 1G (CMD1G). Identifiers: Orphanet 154, MedGen C1858763, MONDO:0011400, OMIM 604145.
Autosomal recessive limb-girdle muscular dystrophy type 2J (LGMDR10). Also called: Limb-girdle muscular dystrophy, type 2J; MUSCULAR DYSTROPHY, LIMB-GIRDLE, AUTOSOMAL RECESSIVE 10. Identifiers: Orphanet 140922, MedGen C1837342, MONDO:0012127, OMIM 608807.

Submissions (2):

Labcorp Genetics (formerly Invitae), Labcorp
Classification: Likely pathogenic for Dilated cardiomyopathy 1G; Autosomal recessive limb-girdle muscular dystrophy type 2J. Last evaluated: 2018-02-28. Review status: criteria provided, single submitter. Criteria: Invitae Variant Classification Sherloc (09022015). Collection method: clinical testing. Allele origin: germline.
Comment: For these reasons, this variant has been classified as Likely Pathogenic. This variant is found in the A-band of this gene. While this particular variant has not been reported in the literature, truncating variants in the A-band of TTN are significantly overrepresented in patients with dilated cardiomyopathy and are considered to be likely pathogenic for the disease (PMID: 25589632). Truncating variants in TTN have also been reported in individuals affected with autosomal recessive centronuclear myopathy (PMID: 23975875). This sequence change results in a premature translational stop signal in the TTN gene (p.Gln15877*). While this is not anticipated to result in nonsense mediated decay, it is expected to disrupt the last 20115 amino acids of the TTN protein.

Eurofins Ntd Llc (ga)
Classification: Likely pathogenic. Last evaluated: 2016-07-15. Review status: criteria provided, single submitter. Criteria: EGL Classification Definitions 2015. Collection method: clinical testing. Allele origin: germline. Observed: 1 variant allele, 1 heterozygote.

Literature cited by the submitters: PubMed 25589632 (cited by Labcorp Genetics (formerly Invitae), Labcorp); PubMed 23975875 (cited by Labcorp Genetics (formerly Invitae), Labcorp).